The following is an entry in ClinVar:

NM_032043.3(BRIP1):c.3705A>G (p.Lys1235=)

Gene: BRIP1 (BRCA1 interacting DNA helicase 1; minus strand). Cytogenetic location: 17q23.2.
Variant type: single nucleotide variant.
Coding change: c.3705A>G on transcript NM_032043.3 (MANE Select); coding-DNA position 3705, A replaced by G.
Protein change: p.Lys1235=; no amino-acid change (lysine 1235 retained).
Molecular consequence: synonymous variant.
Genome position (GRCh38, 1-based): chr17:61,683,341, T>C on the plus strand (A>G on the coding strand, the complement: BRIP1 is on the minus strand). VCF-style: chr17-61683341-T-C. GRCh37 (hg19) VCF-style: chr17-59760702-T-C.
Identifiers: ClinVar variation 2099903 (VCV002099903.5), dbSNP rs2144066974, ClinGen allele CA501335086.

ClinVar aggregate classification (germline): Benign/Likely benign. Review status: criteria provided, multiple submitters, no conflicts (2 of 4 stars). 2 submissions from 2 submitters: Benign (1); Likely benign (1). Last evaluated 2024-09-10.

Conditions:
Familial cancer of breast. Also called: Hereditary breast cancer; BREAST CANCER, FAMILIAL; hereditary breast carcinoma. Identifiers: Orphanet 227535, MedGen C0346153, MONDO:0016419, OMIM 114480. Disease mechanism: loss of function.
Fanconi anemia complementation group J. Also called: BRIP1-Related Fanconi Anemia. Identifiers: Orphanet 84, MedGen C1836860, MONDO:0012187, OMIM 609054.

Submissions (2):

Myriad Genetics, Inc.
Classification: Benign for Familial cancer of breast. Last evaluated: 2024-09-10. Review status: criteria provided, single submitter. Criteria: Myriad Autosomal Dominant, Autosomal Recessive and X-Linked Classification Criteria (2023). Collection method: clinical testing. Allele origin: unknown.
Comment: This variant is considered benign. This variant is a silent/synonymous amino acid change and it is not expected to impact splicing.

Labcorp Genetics (formerly Invitae), Labcorp
Classification: Likely benign for Familial cancer of breast; Fanconi anemia complementation group J. Last evaluated: 2022-05-09. Review status: criteria provided, single submitter. Criteria: Invitae Variant Classification Sherloc (09022015). Collection method: clinical testing. Allele origin: germline.